The following is an entry in ClinVar:

ClinVar aggregate classification (germline): Uncertain significance (1 of 4 stars; one submission).

Conditions:
Autosomal recessive nonsyndromic hearing loss 9. Also called: Deafness, autosomal recessive 9; NEUROSENSORY NONSYNDROMIC RECESSIVE DEAFNESS 9; OTOF-Related Hearing Loss; AUDITORY NEUROPATHY, AUTOSOMAL RECESSIVE, 1, TEMPERATURE-SENSITIVE. Identifiers: Orphanet 90636, MedGen C1832828, MONDO:0010986, OMIM 601071.

Allele frequency attached by ClinVar (database versions not stated): TOPMed below 0.00001; gnomAD 0.00003; gnomAD exomes 0.00004; ExAC 0.00007; 1000 Genomes Project 30x 0.00031; 1000 Genomes Project 0.00040.
gnomAD v4.1: 64 of 1,606,180 alleles (0.004%); highest among the groups gnomAD compares: South Asian, 0.066%; no homozygotes.

Submission:

Neuberg Centre For Genomic Medicine, NCGM
Classification: Uncertain significance for Autosomal recessive nonsyndromic hearing loss 9. Last evaluated: 2023-03-01. Review status: criteria provided, single submitter. Criteria: ACMG Guidelines, 2015. Collection method: clinical testing. Allele origin: germline. Inheritance: Autosomal recessive inheritance. Affected: yes.
Comment: The splie region variant c.5291+5G>A in OTOF gene has not been reported previously as a pathogenic variant nor as a benign variant, to our knowledge. The c.5291+5G>A variant is novel (not in any individuals) in 1000 Genomes and has allele frequency of 0.007% in gnomAD exomes database. This variant has not been reported to the ClinVar database. For these reasons, this variant has been classified as Uncertain Significance (VUS). In the absence of another reportable variant in OTOF gene, the molecular diagnosis is not confirmed.

NM_194248.3(OTOF):c.5291+5G>A

Gene: OTOF (otoferlin; minus strand). Cytogenetic location: 2p23.3.
Variant type: single nucleotide variant.
Coding change: c.5291+5G>A on transcript NM_194248.3 (MANE Select); 5 bases into the intron after coding-DNA position 5291, G replaced by A.
Molecular consequence: intron variant.
Genome position (GRCh38, 1-based): chr2:26,462,078, C>T on the plus strand (G>A on the coding strand, the complement: OTOF is on the minus strand). VCF-style: chr2-26462078-C-T. GRCh37 (hg19) VCF-style: chr2-26684946-C-T.
Other names: c.5291+5G>A (NM_001287489.2); c.2990+5G>A (NM_194323.3, NM_004802.4); c.3221+5G>A (NM_194322.3).
Identifiers: ClinVar variation 2671698 (VCV002671698.1), dbSNP rs578223031, ClinGen allele CA1562870.